The following is an entry in ClinVar:

NM_002454.3(MTRR):c.123C>T (p.Ser41=)

Gene: MTRR (5-methyltetrahydrofolate-homocysteine methyltransferase reductase; plus strand). Cytogenetic location: 5p15.31.
Variant type: single nucleotide variant.
Coding change: c.123C>T on transcript NM_002454.3 (MANE Select); coding-DNA position 123, C replaced by T.
Protein change: p.Ser41=; no amino-acid change (serine 41 retained).
Molecular consequence: synonymous variant. On other transcripts: non-coding transcript variant (14).
Genome position (GRCh38, 1-based): chr5:7,870,917, C>T. VCF-style: chr5-7870917-C-T. GRCh37 (hg19) VCF-style: chr5-7871030-C-T.
Other names: c.123C>T, p.Ser41= (NM_001364440.2, NM_001364441.2, NM_001364442.2 and 1 more transcripts).
Identifiers: ClinVar variation 739318 (VCV000739318.23), dbSNP rs759379396, ClinGen allele CA3195474.

ClinVar aggregate classification (germline): Likely benign. Review status: criteria provided, multiple submitters, no conflicts (2 of 4 stars). 3 submissions from 3 submitters: Likely benign (2). 1 of the submissions does not count toward it. Last evaluated 2025-07-01.

Conditions:
Methylcobalamin deficiency type cblE (HMAE). Also called: HOMOCYSTINURIA-MEGALOBLASTIC ANEMIA, cblE TYPE; VITAMIN B12-RESPONSIVE HOMOCYSTINURIA, cblE TYPE; HOMOCYSTINURIA-MEGALOBLASTIC ANEMIA, cblE COMPLEMENTATION TYPE. Identifiers: Orphanet 2169, Orphanet 622, MedGen C1856057, MONDO:0009354, OMIM 236270.

Allele frequency attached by ClinVar (database versions not stated): gnomAD 0.00001; TOPMed 0.00001; ExAC 0.00002; gnomAD exomes 0.00002.
gnomAD v4.1: 34 of 1,613,970 alleles (0.0021%); highest among the groups gnomAD compares: South Asian, 0.0044%; no homozygotes.

Submissions (3):

CeGaT Center for Human Genetics Tuebingen
Classification: Likely benign. Last evaluated: 2025-07-01. Review status: criteria provided, single submitter. Criteria: CeGaT Center For Human Genetics Tuebingen Variant Classification Criteria Version 2. Collection method: clinical testing. Allele origin: germline. Affected: yes. Observed: 1 variant allele.
Comment: MTRR: BP4, BP7

Labcorp Genetics (formerly Invitae), Labcorp
Classification: Likely benign for Methylcobalamin deficiency type cblE. Last evaluated: 2024-03-03. Review status: criteria provided, single submitter. Criteria: Invitae Variant Classification Sherloc (09022015). Collection method: clinical testing. Allele origin: germline.

Natera, Inc.
Classification: Likely benign for CblE complementation type homocystinuria-megaloblastic anemia due to defect in cobalamin metabolism. Last evaluated: 2020-03-19. Review status: no assertion criteria provided. Collection method: clinical testing. Allele origin: germline. Not counted in ClinVar's aggregate classification.